The following is an entry in ClinVar:

NM_001170629.2(CHD8):c.6450A>T (p.Arg2150Ser)

Gene: CHD8 (chromodomain helicase DNA binding protein 8; minus strand). Cytogenetic location: 14q11.2.
Variant type: single nucleotide variant.
Coding change: c.6450A>T on transcript NM_001170629.2 (MANE Select); coding-DNA position 6450, A replaced by T.
Protein change: p.Arg2150Ser; replaces arginine 2150 with serine.
Molecular consequence: missense variant.
Genome position (GRCh38, 1-based): chr14:21,393,124, T>A on the plus strand (A>T on the coding strand, the complement: CHD8 is on the minus strand). VCF-style: chr14-21393124-T-A. GRCh37 (hg19) VCF-style: chr14-21861283-T-A.
Other names: c.5613A>T, p.Arg1871Ser (NM_020920.4); short protein forms R1871S, R2150S.
Identifiers: ClinVar variation 4823108 (VCV004823108.5).

ClinVar aggregate classification (germline): Uncertain significance. Review status: criteria provided, multiple submitters, no conflicts (2 of 4 stars). 2 submissions from 2 submitters: Uncertain significance (2). Last evaluated 2026-05-04.

Conditions:
Paediatric disorders.

Submissions (2):

North West Genomic Laboratory Hub, Manchester University NHS Foundation Trust
Classification: Uncertain significance for Paediatric disorders. Last evaluated: 2026-05-04. Review status: criteria provided, single submitter. Criteria: ACGS Best Practice Guidelines for Variant Classification in Rare Disease 2024. Collection method: clinical testing. Allele origin: germline. Affected: yes.
Comment: PM2_Mod

CeGaT Center for Human Genetics Tuebingen
Classification: Uncertain significance. Last evaluated: 2026-01-01. Review status: criteria provided, single submitter. Criteria: CeGaT Center For Human Genetics Tuebingen Variant Classification Criteria Version 2. Collection method: clinical testing. Allele origin: germline. Affected: yes. Observed: 1 variant allele.
Comment: CHD8: PM2, BP4